The following is an entry in ClinVar:

ClinVar aggregate classification (germline): Uncertain significance (1 of 4 stars; one submission).

Conditions:
Kabuki syndrome. Also called: Kabuki make-up syndrome; NIIKAWA-KUROKI SYNDROME. Identifiers: Orphanet 2322, MedGen C0796004, MONDO:0016512.

Submission:

Labcorp Genetics (formerly Invitae), Labcorp
Classification: Uncertain significance for Kabuki syndrome. Last evaluated: 2022-12-20. Review status: criteria provided, single submitter. Criteria: Invitae Variant Classification Sherloc (09022015). Collection method: clinical testing. Allele origin: germline.
Comment: In summary, the available evidence is currently insufficient to determine the role of this variant in disease. Therefore, it has been classified as a Variant of Uncertain Significance. Experimental studies and prediction algorithms are not available or were not evaluated, and the functional significance of this variant is currently unknown. This variant has not been reported in the literature in individuals affected with KMT2D-related conditions. Information on the frequency of this variant in the gnomAD database is not available, as this variant may be reported differently in the database. This sequence change replaces threonine, which is neutral and polar, with aspartic acid, which is acidic and polar, at codon 382 of the KMT2D protein (p.Thr382Asp).

NM_003482.4(KMT2D):c.1144_1145delinsGA (p.Thr382Asp)

Gene: KMT2D (lysine methyltransferase 2D; minus strand). Cytogenetic location: 12q13.12.
Variant type: Indel.
Coding change: c.1144_1145delinsGA on transcript NM_003482.4 (MANE Select); coding-DNA positions 1144 to 1145, AC replaced by GA.
Protein change: p.Thr382Asp; replaces threonine 382 with aspartic acid.
Molecular consequence: missense variant.
Genome position (GRCh38, 1-based): chr12:49,052,677-49,052,678, GT replaced by TC on the plus strand (AC replaced by GA on the coding strand, the reverse complement: KMT2D is on the minus strand). VCF-style: chr12-49052677-GT-TC. GRCh37 (hg19) VCF-style: chr12-49446460-GT-TC.
Other names: short protein forms T382D.
Identifiers: ClinVar variation 2822557 (VCV002822557.3), dbSNP rs2498461766, ClinGen allele CA2739272025.
Genomic context (GRCh38, chr12:49,052,677, plus strand): 5'-GTCACGTGCCCACCCTTTGGCTGCCCTTGGCATGCAACGTACAGAGCATCGGGCTCGTCA[GT>TC]GGGGGTATCGCCAGGCTCTGGGGGTGAAAATCTGCAGAGGGTACAGGGGAGCAGGCACTG-3'
Protein context (NP_003473.3, residues 372-392): FSPPEPGDTP[Thr382Asp]DEPDALYVAC